The following is an entry in ClinVar:

ClinVar aggregate classification (germline): Uncertain significance (1 of 4 stars; one submission).

Conditions:
Fanconi anemia complementation group O. Also called: RAD51C-Related Fanconi Anemia. Identifiers: Orphanet 84, MedGen C3150653, MONDO:0013248, OMIM 613390.

Submission:

Labcorp Genetics (formerly Invitae), Labcorp
Classification: Uncertain significance for Fanconi anemia complementation group O. Last evaluated: 2020-03-05. Review status: criteria provided, single submitter. Criteria: Invitae Variant Classification Sherloc (09022015). Collection method: clinical testing. Allele origin: germline.
Comment: In summary, the available evidence is currently insufficient to determine the role of this variant in disease. Therefore, it has been classified as a Variant of Uncertain Significance. Algorithms developed to predict the effect of missense changes on protein structure and function do not agree on the potential impact of this missense change (SIFT: "Tolerated"; PolyPhen-2: "Probably Damaging"; Align-GVGD: "Class C0"). This variant has not been reported in the literature in individuals with RAD51C-related disease. This variant is not present in population databases (ExAC no frequency). This sequence change replaces alanine with glutamic acid at codon 300 of the RAD51C protein (p.Ala300Glu). The alanine residue is highly conserved and there is a moderate physicochemical difference between alanine and glutamic acid.

NM_058216.3(RAD51C):c.899C>A (p.Ala300Glu)

Gene: RAD51C (RAD51 paralog C; plus strand). Cytogenetic location: 17q22.
Variant type: single nucleotide variant.
Coding change: c.899C>A on transcript NM_058216.3 (MANE Select); coding-DNA position 899, C replaced by A.
Protein change: p.Ala300Glu; replaces alanine 300 with glutamic acid.
Molecular consequence: missense variant. On other transcripts: non-coding transcript variant (1).
Genome position (GRCh38, 1-based): chr17:58,720,807, C>A. VCF-style: chr17-58720807-C-A. GRCh37 (hg19) VCF-style: chr17-56798168-C-A.
Other names: short protein forms A300E.
Identifiers: ClinVar variation 581053 (VCV000581053.8), dbSNP rs1444333199, ClinGen allele CA400359802.